The following is an entry in ClinVar:

NM_001148.6(ANK2):c.2280C>G (p.Asn760Lys)

Gene: ANK2 (ankyrin 2; plus strand). Cytogenetic location: 4q26.
Variant type: single nucleotide variant.
Coding change: c.2280C>G on transcript NM_001148.6 (MANE Select); coding-DNA position 2280, C replaced by G.
Protein change: p.Asn760Lys; replaces asparagine 760 with lysine.
Molecular consequence: missense variant.
Genome position (GRCh38, 1-based): chr4:113,292,418, C>G. VCF-style: chr4-113292418-C-G. GRCh37 (hg19) VCF-style: chr4-114213574-C-G.
Other names: c.2217C>G, p.Asn739Lys (NM_001127493.3, NM_001354239.2, NM_001354243.2 and 10 more transcripts); c.2280C>G, p.Asn760Lys (NM_001354225.2, NM_001354228.2, NM_001354232.2 and 6 more transcripts); c.2325C>G, p.Asn775Lys (NM_001354230.2, NM_001354231.2, NM_001354237.2 and 5 more transcripts); c.2094C>G, p.Asn698Lys (NM_001354260.2, NM_001386151.1, NM_001354271.2); c.2238C>G, p.Asn746Lys (NM_001354261.2, NM_001386147.1, NM_001386160.1); c.2193C>G, p.Asn731Lys (NM_001354264.2, NM_001354266.2, NM_001354267.2 and 10 more transcripts); c.2181C>G, p.Asn727Lys (NM_001354268.2, NM_001354245.2); c.2070C>G, p.Asn690Lys (NM_001354269.3); and 8 more; short protein forms N739K, N760K, N690K, N706K, N665K, N731K, N694K, N698K.
Identifiers: ClinVar variation 406488 (VCV000406488.8), dbSNP rs1060501162, ClinGen allele CA16611572.

ClinVar aggregate classification (germline): Uncertain significance. Review status: criteria provided, multiple submitters, no conflicts (2 of 4 stars). 2 submissions from 2 submitters: Uncertain significance (2). Last evaluated 2018-09-12.

Conditions:
Long QT syndrome (LQTS). Identifiers: MedGen C0023976, MeSH D008133, MONDO:0002442. Disease mechanism: loss of function. Inheritance: Various modes of inheritance.

gnomAD v4.1: 1 of 1,609,110 alleles (0.000062%); highest among the groups gnomAD compares: Admixed American, 0.0017%; no homozygotes.

Submissions (2):

Labcorp Genetics (formerly Invitae), Labcorp
Classification: Uncertain significance for Long QT syndrome. Last evaluated: 2018-09-12. Review status: criteria provided, single submitter. Criteria: Invitae Variant Classification Sherloc (09022015). Collection method: clinical testing. Allele origin: germline.
Comment: In summary, this variant is a novel missense change with uncertain impact on protein function and mRNA splicing. It has been classified as a Variant of Uncertain Significance. Algorithms developed to predict the effect of sequence changes on RNA splicing suggest that this variant may alter RNA splicing, but this prediction has not been confirmed by published transcriptional studies. Algorithms developed to predict the effect of missense changes on protein structure and function do not agree on the potential impact of this missense change (SIFT: "Tolerated"; PolyPhen-2: "Possibly Damaging"; Align-GVGD: "Class C0"). This variant is not present in population databases (ExAC no frequency) and has not been reported in the literature in individuals with an ANK2-related disease. This sequence change replaces asparagine with lysine at codon 760 of the ANK2 protein (p.Asn760Lys). The asparagine residue is moderately conserved and there is a moderate physicochemical difference between asparagine and lysine.

Stanford Center for Inherited Cardiovascular Disease, Stanford University
Classification: Uncertain significance. Last evaluated: 2017-03-07. Review status: criteria provided, single submitter. Criteria: ACMG Guidelines, 2015. Collection method: provider interpretation. Allele origin: germline.